The following is an entry in ClinVar:

NM_022041.4(GAN):c.625A>G (p.Ile209Val)

Gene: GAN (gigaxonin; plus strand). Cytogenetic location: 16q23.2.
Variant type: single nucleotide variant.
Coding change: c.625A>G on transcript NM_022041.4 (MANE Select); coding-DNA position 625, A replaced by G.
Protein change: p.Ile209Val; replaces isoleucine 209 with valine.
Molecular consequence: missense variant. On other transcripts: 5 prime UTR variant (1).
Genome position (GRCh38, 1-based): chr16:81,354,747, A>G. VCF-style: chr16-81354747-A-G. GRCh37 (hg19) VCF-style: chr16-81388352-A-G.
Other names: c.-15A>G (NM_001377486.1); short protein forms I209V.
Identifiers: ClinVar variation 1000079 (VCV001000079.8), dbSNP rs369789553, ClinGen allele CA8191404.

ClinVar aggregate classification (germline): Uncertain significance (1 of 4 stars; one submission).

Conditions:
Giant axonal neuropathy 1 (GAN1). Also called: GIANT AXONAL NEUROPATHY 1, AUTOSOMAL RECESSIVE; GAN-Related Neurodegeneration. Identifiers: Orphanet 643, MedGen C1850386, MONDO:0009749, OMIM 256850.

Allele frequency attached by ClinVar (database versions not stated): gnomAD exomes below 0.00001; ExAC 0.00001; TOPMed 0.00001; gnomAD 0.00002; ESP Exome Variant Server 0.00008.
gnomAD v4.1: 3 of 1,565,170 alleles (0.00019%); highest among the groups gnomAD compares: African/African-American, 0.0041%; no homozygotes.

Submission:

Labcorp Genetics (formerly Invitae), Labcorp
Classification: Uncertain significance for Giant axonal neuropathy 1. Last evaluated: 2025-01-06. Review status: criteria provided, single submitter. Criteria: Invitae Variant Classification Sherloc (09022015). Collection method: clinical testing. Allele origin: germline.
Comment: This sequence change replaces isoleucine, which is neutral and non-polar, with valine, which is neutral and non-polar, at codon 209 of the GAN protein (p.Ile209Val). This variant is present in population databases (rs369789553, gnomAD 0.007%). This variant has not been reported in the literature in individuals affected with GAN-related conditions. ClinVar contains an entry for this variant (Variation ID: 1000079). Invitae Evidence Modeling of protein sequence and biophysical properties (such as structural, functional, and spatial information, amino acid conservation, physicochemical variation, residue mobility, and thermodynamic stability) indicates that this missense variant is not expected to disrupt GAN protein function with a negative predictive value of 80%. Algorithms developed to predict the effect of sequence changes on RNA splicing suggest that this variant may create or strengthen a splice site. In summary, the available evidence is currently insufficient to determine the role of this variant in disease. Therefore, it has been classified as a Variant of Uncertain Significance.